The following is an entry in ClinVar:

NM_032242.4(PLXNA1):c.2772C>T (p.Ile924=)

Gene: PLXNA1 (plexin A1; plus strand). Cytogenetic location: 3q21.3.
Variant type: single nucleotide variant.
Coding change: c.2772C>T on transcript NM_032242.4 (MANE Select); coding-DNA position 2772, C replaced by T.
Protein change: p.Ile924=; no amino-acid change (isoleucine 924 retained).
Molecular consequence: synonymous variant.
Genome position (GRCh38, 1-based): chr3:127,014,726, C>T. VCF-style: chr3-127014726-C-T. GRCh37 (hg19) VCF-style: chr3-126733569-C-T.
Identifiers: ClinVar variation 3355626 (VCV003355626.1).

ClinVar aggregate classification (germline): Likely benign (0 of 4 stars; one submission).

Conditions:
PLXNA1-related disorder. Also called: PLXNA1-related condition.

gnomAD v4.1: 50 of 1,611,502 alleles (0.0031%); highest among the groups gnomAD compares: South Asian, 0.0066%; no homozygotes.

Submission:

PreventionGenetics, part of Exact Sciences
Classification: Likely benign for PLXNA1-related condition. Last evaluated: 2023-08-16. Review status: no assertion criteria provided. Collection method: clinical testing. Allele origin: germline.
Comment: This variant is classified as likely benign based on ACMG/AMP sequence variant interpretation guidelines (Richards et al. 2015 PMID: 25741868, with internal and published modifications).